The following is an entry in ClinVar:

ClinVar aggregate classification (germline): Uncertain significance (1 of 4 stars; one submission).

Conditions:
PCNT-related disorder. Also called: PCNT-related condition.

Allele frequency attached by ClinVar (database versions not stated): gnomAD exomes 0.00001; gnomAD 0.00003; TOPMed 0.00003; ExAC 0.00004.

Submission:

PreventionGenetics, part of Exact Sciences
Classification: Uncertain significance for PCNT-related condition. Last evaluated: 2025-07-28. Review status: criteria provided, single submitter. Criteria: ACMG Guidelines, 2015. Collection method: clinical testing. Allele origin: germline.
Comment: The PCNT c.8809A>T variant is predicted to result in the amino acid substitution p.Thr2937Ser. To our knowledge, this variant has not been reported in the literature. This variant is reported in 0.0058% of alleles in individuals of Latino descent in gnomAD. At this time, the clinical significance of this variant is uncertain due to the absence of conclusive functional and genetic evidence.

NM_006031.6(PCNT):c.8809A>T (p.Thr2937Ser)

Gene: PCNT (pericentrin; plus strand). Cytogenetic location: 21q22.3.
Variant type: single nucleotide variant.
Coding change: c.8809A>T on transcript NM_006031.6 (MANE Select); coding-DNA position 8809, A replaced by T.
Protein change: p.Thr2937Ser; replaces threonine 2937 with serine.
Molecular consequence: missense variant.
Genome position (GRCh38, 1-based): chr21:46,435,961, A>T. VCF-style: chr21-46435961-A-T. GRCh37 (hg19) VCF-style: chr21-47855874-A-T.
Other names: c.8218A>T, p.Thr2740Ser (NM_001315529.2); short protein forms T2740S, T2937S.
Identifiers: ClinVar variation 3032397 (VCV003032397.3), dbSNP rs768678699, ClinGen allele CA10081090.